The following is an entry in ClinVar:

ClinVar aggregate classification (germline): Uncertain significance (1 of 4 stars; one submission).

Submission:

GeneDx
Classification: Uncertain significance. Last evaluated: 2023-05-10. Review status: criteria provided, single submitter. Criteria: GeneDx Variant Classification Process June 2021. Collection method: clinical testing. Allele origin: germline. Affected: yes.
Comment: Not observed at significant frequency in large population cohorts (gnomAD); In silico analysis supports that this missense variant does not alter protein structure/function; Has not been previously published as pathogenic or benign to our knowledge

NM_002539.3(ODC1):c.580G>A (p.Val194Ile)

Gene: ODC1 (ornithine decarboxylase 1; minus strand). Cytogenetic location: 2p25.1.
Variant type: single nucleotide variant.
Coding change: c.580G>A on transcript NM_002539.3 (MANE Select); coding-DNA position 580, G replaced by A.
Protein change: p.Val194Ile; replaces valine 194 with isoleucine.
Molecular consequence: missense variant.
Genome position (GRCh38, 1-based): chr2:10,443,706, C>T on the plus strand (G>A on the coding strand, the complement: ODC1 is on the minus strand). VCF-style: chr2-10443706-C-T. GRCh37 (hg19) VCF-style: chr2-10583832-C-T.
Other names: c.193G>A, p.Val65Ile (NM_001287188.2); c.580G>A, p.Val194Ile (NM_001287189.2, NM_001287190.2); short protein forms V194I, V65I.
Identifiers: ClinVar variation 3343411 (VCV003343411.1).